The following is an entry in ClinVar:

ClinVar aggregate classification (germline): Pathogenic. Review status: criteria provided, multiple submitters, no conflicts (2 of 4 stars). 2 submissions from 2 submitters: Pathogenic (2). Last evaluated 2026-06-01.

Conditions:
Inborn genetic diseases. Identifiers: MedGen C0950123, MeSH D030342.
Tumor predisposition syndrome 2 (TPDS2). Also called: MBD4-ASSOCIATED NEOPLASIA SYNDROME; MBD4-Related Tumor Predisposition Syndrome; MBD4-associated neoplasia syndrome (MANS). Identifiers: Orphanet 661526, MedGen C5774186, MONDO:0859267, OMIM 619975.

Submissions (2):

Myriad Genetics, Inc.
Classification: Pathogenic for Tumor predisposition syndrome 2. Last evaluated: 2026-06-01. Review status: criteria provided, single submitter. Criteria: Myriad Autosomal Dominant, Autosomal Recessive and X-Linked Classification Criteria (2023). Collection method: clinical testing. Allele origin: unknown.
Comment: This variant is considered pathogenic. This variant creates a frameshift predicted to result in premature protein truncation.

Ambry Genetics
Classification: Pathogenic for Inborn genetic diseases. Last evaluated: 2026-03-25. Review status: criteria provided, single submitter. Criteria: Ambry Variant Classification Scheme 2023. Collection method: clinical testing. Allele origin: germline.
Comment: The c.970delT pathogenic mutation, located in coding exon 3 of the MBD4 gene, results from a deletion of one nucleotide at nucleotide position 970, causing a translational frameshift with a predicted alternate stop codon (p.C324Vfs*10). This variant is considered to be rare based on population cohorts in the Genome Aggregation Database (gnomAD). This alteration is expected to result in loss of function by premature protein truncation or nonsense-mediated mRNA decay. As such, this alteration is interpreted as a disease-causing mutation.

NM_001276270.2(MBD4):c.970del (p.Cys324fs)

Gene: MBD4 (methyl-CpG binding domain 4, DNA glycosylase; minus strand). Cytogenetic location: 3q21.3.
Variant type: Deletion.
Coding change: c.970del on transcript NM_001276270.2 (MANE Select); coding-DNA position 970, one base deleted (T; older notation c.970delT).
Protein change: p.Cys324fs; shifts the reading frame from cysteine 324.
Molecular consequence: frameshift variant. On other transcripts: intron variant (1).
Genome position (GRCh38, 1-based): chr3:129,436,674, A deleted on the plus strand (T on the coding strand, the reverse complement: MBD4 is on the minus strand); the first of 5 consecutive A bases (chr3:129,436,674-129,436,678); deleting any one gives the same sequence. VCF-style (leftmost placement, unchanged base first): chr3-129436673-CA-C. GRCh37 (hg19) VCF-style: chr3-129155516-CA-C.
Other names: c.970del, p.Cys324fs (NM_001276271.2, NM_001276272.2, NM_003925.3); c.247+1134del (NM_001276273.2); c.970delT (NM_001276270.2); short protein forms C324fs.
Identifiers: ClinVar variation 4859565 (VCV004859565.2).
Genomic context (GRCh38, chr3:129,436,673, plus strand): 5'-TGTTCTGAGTCTTTGGCTGAACAAAATTTGTTTATGATGCCAGAAGTTTTTTGTTCAGAA[CA>C]AAAATTTGATCCTGAACTCAATGATCTTTCTTTTTTTTTTACAAGGCTGTTTTCTTCACT-3'